The following is an entry in ClinVar:

NM_001170629.2(CHD8):c.6103C>T (p.Arg2035Ter)

Gene: CHD8 (chromodomain helicase DNA binding protein 8; minus strand). Cytogenetic location: 14q11.2.
Variant type: single nucleotide variant.
Coding change: c.6103C>T on transcript NM_001170629.2 (MANE Select); coding-DNA position 6103, C replaced by T.
Protein change: p.Arg2035Ter; replaces arginine 2035 with a stop codon.
Molecular consequence: nonsense.
Genome position (GRCh38, 1-based): chr14:21,393,692, G>A on the plus strand (C>T on the coding strand, the complement: CHD8 is on the minus strand). VCF-style: chr14-21393692-G-A. GRCh37 (hg19) VCF-style: chr14-21861851-G-A.
Other names: c.5266C>T, p.Arg1756Ter (NM_020920.4); short protein forms R1756*, R2035*.
Identifiers: ClinVar variation 429840 (VCV000429840.5), dbSNP rs1131691627, ClinGen allele CA388880400.

ClinVar aggregate classification (germline): Pathogenic. Review status: criteria provided, multiple submitters, no conflicts (2 of 4 stars). 3 submissions from 3 submitters: Pathogenic (2). 1 of the submissions does not count toward it. Last evaluated 2026-05-13.

Conditions:
Intellectual developmental disorder with autism and macrocephaly. Also called: Autism, susceptibility to, 18; CHD8-Related Neurodevelopmental Disorder with Overgrowth. Identifiers: Orphanet 642675, MedGen C3554373, MONDO:0014017, OMIM 615032.

Submissions (3):

Greenwood Genetic Center Diagnostic Laboratories, Greenwood Genetic Center
Classification: Pathogenic for Intellectual developmental disorder with autism and macrocephaly. Last evaluated: 2026-05-13. Review status: criteria provided, single submitter. Criteria: ACMG Guidelines, 2015. Collection method: clinical testing. Allele origin: germline. Affected: yes.
Comment: PVS1, PM2, PS4

GeneDx
Classification: Pathogenic. Last evaluated: 2024-09-21. Review status: criteria provided, single submitter. Criteria: GeneDx Variant Classification Process June 2021. Collection method: clinical testing. Allele origin: germline. Affected: yes.
Comment: Nonsense variant predicted to result in protein truncation or nonsense mediated decay in a gene for which loss of function is a known mechanism of disease; Not observed at significant frequency in large population cohorts (gnomAD); This variant is associated with the following publications: (PMID: 35982159, 33057194, 35982160, 35599849)

Molecular Genetics Laboratory, BC Children's and BC Women's Hospitals
Classification: Likely pathogenic for Intellectual developmental disorder with autism and macrocephaly. Last evaluated: 2016-10-12. Review status: no assertion criteria provided. Criteria: ACMG Guidelines, 2015. Collection method: clinical testing. Allele origin: de novo. Affected: yes. Not counted in ClinVar's aggregate classification.